The following is an entry in ClinVar:

NM_014423.4(AFF4):c.834A>G (p.Gln278=)

Gene: AFF4 (ALF transcription elongation factor 4; minus strand). Cytogenetic location: 5q31.1.
Variant type: single nucleotide variant.
Coding change: c.834A>G on transcript NM_014423.4 (MANE Select); coding-DNA position 834, A replaced by G.
Protein change: p.Gln278=; no amino-acid change (glutamine 278 retained).
Molecular consequence: synonymous variant.
Genome position (GRCh38, 1-based): chr5:132,934,231, T>C on the plus strand (A>G on the coding strand, the complement: AFF4 is on the minus strand). VCF-style: chr5-132934231-T-C. GRCh37 (hg19) VCF-style: chr5-132269923-T-C.
Identifiers: ClinVar variation 3352789 (VCV003352789.1).

ClinVar aggregate classification (germline): Likely benign (0 of 4 stars; one submission).

Conditions:
AFF4-related disorder. Also called: AFF4-related condition.

gnomAD v4.1: 2 of 1,614,048 alleles (0.00012%); highest among the groups gnomAD compares: Non-Finnish European, 0.00017%; no homozygotes.

Submission:

PreventionGenetics, part of Exact Sciences
Classification: Likely benign for AFF4-related condition. Last evaluated: 2024-09-03. Review status: no assertion criteria provided. Collection method: clinical testing. Allele origin: germline.
Comment: This variant is classified as likely benign based on ACMG/AMP sequence variant interpretation guidelines (Richards et al. 2015 PMID: 25741868, with internal and published modifications).